The following is an entry in ClinVar:

NM_000182.5(HADHA):c.1596G>C (p.Gln532His)

Genes: GAREM2 (GRB2 associated regulator of MAPK1 subtype 2; plus strand), HADHA (hydroxyacyl-CoA dehydrogenase trifunctional multienzyme complex subunit alpha; minus strand). Cytogenetic location: 2p23.3.
Variant type: single nucleotide variant.
Coding change: c.1596G>C on transcript NM_000182.5 (MANE Select); coding-DNA position 1596, G replaced by C.
Protein change: p.Gln532His; replaces glutamine 532 with histidine.
Molecular consequence: missense variant.
Genome position (GRCh38, 1-based): chr2:26,195,116, C>G on the plus strand (G>C on the coding strand, the complement: HADHA is on the minus strand). VCF-style: chr2-26195116-C-G. GRCh37 (hg19) VCF-style: chr2-26417985-C-G.
Other names: c.1596G>C (NM_000182.4); short protein forms Q532H.
Identifiers: ClinVar variation 1499573 (VCV001499573.4), dbSNP rs1004898768, ClinGen allele CA44379899.

ClinVar aggregate classification (germline): Uncertain significance. Review status: criteria provided, multiple submitters, no conflicts (2 of 4 stars). 2 submissions from 2 submitters: Uncertain significance (2). Last evaluated 2024-02-21.

Conditions:
Long chain 3-hydroxyacyl-CoA dehydrogenase deficiency. Also called: Deficiency of long-chain 3-hydroxyacyl-coenzyme A dehydrogenase; LCHAD Deficiency. Identifiers: Orphanet 5, MedGen C3711645, MONDO:0012173, OMIM 609016.
Mitochondrial trifunctional protein deficiency. Identifiers: Orphanet 746, MedGen C1969443, MONDO:0012172.
Inborn genetic diseases. Identifiers: MedGen C0950123, MeSH D030342.

Allele frequency attached by ClinVar (database versions not stated): gnomAD exomes below 0.00001; gnomAD 0.00001 and 0.00002; TOPMed 0.00005.
gnomAD v4.1: 7 of 1,613,506 alleles (0.00043%); highest among the groups gnomAD compares: Admixed American, 0.0067%; no homozygotes.

Submissions (2):

Ambry Genetics
Classification: Uncertain significance for Inborn genetic diseases. Last evaluated: 2024-02-21. Review status: criteria provided, single submitter. Criteria: Ambry Variant Classification Scheme 2023. Collection method: clinical testing. Allele origin: germline.

Labcorp Genetics (formerly Invitae), Labcorp
Classification: Uncertain significance for Mitochondrial trifunctional protein deficiency; Long chain 3-hydroxyacyl-CoA dehydrogenase deficiency. Last evaluated: 2022-05-27. Review status: criteria provided, single submitter. Criteria: Invitae Variant Classification Sherloc (09022015). Collection method: clinical testing. Allele origin: germline.
Comment: This sequence change replaces glutamine, which is neutral and polar, with histidine, which is basic and polar, at codon 532 of the HADHA protein (p.Gln532His). This variant is present in population databases (no rsID available, gnomAD no frequency). This variant has not been reported in the literature in individuals affected with HADHA-related conditions. Advanced modeling of protein sequence and biophysical properties (such as structural, functional, and spatial information, amino acid conservation, physicochemical variation, residue mobility, and thermodynamic stability) performed at Invitae indicates that this missense variant is not expected to disrupt HADHA protein function. In summary, the available evidence is currently insufficient to determine the role of this variant in disease. Therefore, it has been classified as a Variant of Uncertain Significance.